The following is an entry in ClinVar:

ClinVar aggregate classification (germline): Pathogenic (1 of 4 stars; one submission).

Submission:

CeGaT Center for Human Genetics Tuebingen
Classification: Pathogenic. Last evaluated: 2026-04-01. Review status: criteria provided, single submitter. Criteria: CeGaT Center For Human Genetics Tuebingen Variant Classification Criteria Version 2. Collection method: clinical testing. Allele origin: germline. Affected: yes. Observed: 1 variant allele.
Comment: TBK1: PVS1, PM2, PS4:Supporting

NM_013254.4(TBK1):c.834_841del (p.Pro279fs)

Gene: TBK1 (TANK binding kinase 1; plus strand). Cytogenetic location: 12q14.2.
Variant type: Deletion.
Coding change: c.834_841del on transcript NM_013254.4 (MANE Select); coding-DNA positions 834 to 841, 8 bases deleted (CCCTGTTC; older notation c.834_841delCCCTGTTC).
Protein change: p.Pro279fs; shifts the reading frame from proline 279.
Molecular consequence: frameshift variant.
Genome position (GRCh38, 1-based): chr12:64,481,863-64,481,870, CCCTGTTC deleted; deleting any 8 consecutive bases within chr12:64,481,862-64,481,870 gives the same sequence; the c. name uses the placement nearest the transcript's 3' end. VCF-style (leftmost placement, unchanged base first): chr12-64481861-ACCCCTGTT-A. GRCh37 (hg19) VCF-style: chr12-64875641-ACCCCTGTT-A.
Other names: short protein forms P279fs.
Identifiers: ClinVar variation 4874655 (VCV004874655.2).
Genomic context (GRCh38, chr12:64,481,861, plus strand): 5'-GATATATTCACTCTTCAAGTAACTTTTCAATACTATTTTAGGGGTCTTCAGGTTCTACTT[ACCCCTGTT>A]CTTGCAAACATCCTTGAAGCAGATCAGGAAAAGTGTTGGGGTTTTGACCAGTTTTTTGCA-3'